The following is an entry in ClinVar:

ClinVar aggregate classification (germline): Uncertain significance (1 of 4 stars; one submission).

Submission:

Labcorp Genetics (formerly Invitae), Labcorp
Classification: Uncertain significance. Last evaluated: 2025-09-09. Review status: criteria provided, single submitter. Criteria: Invitae Variant Classification Sherloc (09022015). Collection method: clinical testing. Allele origin: germline.
Comment: This sequence change replaces proline, which is neutral and non-polar, with alanine, which is neutral and non-polar, at codon 165 of the TOPORS protein (p.Pro165Ala). This variant is not present in population databases (gnomAD no frequency). This variant has not been reported in the literature in individuals affected with TOPORS-related conditions. An algorithm developed to predict the effect of missense changes on protein structure and function (PolyPhen-2) suggests that this variant is likely to be disruptive. In summary, the available evidence is currently insufficient to determine the role of this variant in disease. Therefore, it has been classified as a Variant of Uncertain Significance.

NM_005802.5(TOPORS):c.493C>G (p.Pro165Ala)

Gene: TOPORS (TOP1 binding arginine/serine rich protein, E3 ubiquitin ligase; minus strand). Cytogenetic location: 9p21.1.
Variant type: single nucleotide variant.
Coding change: c.493C>G on transcript NM_005802.5 (MANE Select); coding-DNA position 493, C replaced by G.
Protein change: p.Pro165Ala; replaces proline 165 with alanine.
Molecular consequence: missense variant.
Genome position (GRCh38, 1-based): chr9:32,544,032, G>C on the plus strand (C>G on the coding strand, the complement: TOPORS is on the minus strand). VCF-style: chr9-32544032-G-C. GRCh37 (hg19) VCF-style: chr9-32544030-G-C.
Other names: c.298C>G, p.Pro100Ala (NM_001195622.2); short protein forms P100A, P165A.
Identifiers: ClinVar variation 4797609 (VCV004797609.1).